The following is an entry in ClinVar:

NM_001199138.2(NLRC4):c.2257+2T>C

Gene: NLRC4 (NLR family CARD domain containing 4; minus strand). Cytogenetic location: 2p22.3.
Variant type: single nucleotide variant.
Coding change: c.2257+2T>C on transcript NM_001199138.2 (MANE Select); the canonical splice donor site of the intron after coding-DNA position 2257, T replaced by C.
Molecular consequence: splice donor variant. On other transcripts: intron variant (1).
Genome position (GRCh38, 1-based): chr2:32,249,605, A>G on the plus strand (T>C on the coding strand, the complement: NLRC4 is on the minus strand). VCF-style: chr2-32249605-A-G. GRCh37 (hg19) VCF-style: chr2-32474674-A-G.
Other names: c.262+2814T>C (NM_001302504.1); c.2257+2T>C (NM_021209.4, NM_001199139.1).
Identifiers: ClinVar variation 3763320 (VCV003763320.2).
Genomic context (GRCh38, chr2:32,249,605, plus strand): 5'-AATTTATACACTGTTATTTTTTTTTAAGTGAACAAAGCACAAACCACTGATATTTACAAT[A>G]CCCGGCAGCCGTTGATTCTGTAGGTCATGAATACTCAAGGTTTTCAGGTTTGTTACAGAT-3'

ClinVar aggregate classification (germline): Uncertain significance (1 of 4 stars; one submission).

Conditions:
Periodic fever-infantile enterocolitis-autoinflammatory syndrome. Also called: Autoinflammation with infantile enterocolitis. Identifiers: Orphanet 436166, MedGen C4015067, MONDO:0014472, OMIM 616050.
Familial cold autoinflammatory syndrome 4 (FCAS4). Identifiers: Orphanet 47045, Orphanet 576349, MedGen C4015276, MONDO:0014498, OMIM 616115.

Submission:

Labcorp Genetics (formerly Invitae), Labcorp
Classification: Uncertain significance for Periodic fever-infantile enterocolitis-autoinflammatory syndrome; Familial cold autoinflammatory syndrome 4. Last evaluated: 2024-09-23. Review status: criteria provided, single submitter. Criteria: Invitae Variant Classification Sherloc (09022015). Collection method: clinical testing. Allele origin: germline.
Comment: This sequence change affects a donor splice site in intron 4 of the NLRC4 gene. It is expected to disrupt RNA splicing. Variants that disrupt the donor or acceptor splice site typically lead to a loss of protein function (PMID: 16199547), however the current clinical and genetic evidence is not sufficient to establish whether loss-of-function variants in NLRC4 cause disease. This variant is not present in population databases (gnomAD no frequency). This variant has not been reported in the literature in individuals affected with NLRC4-related conditions. Algorithms developed to predict the effect of sequence changes on RNA splicing suggest that this variant may disrupt the consensus splice site. In summary, the available evidence is currently insufficient to determine the role of this variant in disease. Therefore, it has been classified as a Variant of Uncertain Significance.

Literature cited by the submitters: PubMed 16199547.